The following is an entry in ClinVar:

ClinVar aggregate classification (germline): Likely benign (1 of 4 stars; one submission).

Submission:

GeneDx
Classification: Likely benign. Last evaluated: 2012-05-23. Review status: criteria provided, single submitter. Criteria: GeneDx Variant Classification (06012015). Collection method: clinical testing. Allele origin: germline. Affected: yes.
Comment: This variant is considered likely benign or benign based on one or more of the following criteria: it is a conservative change, it occurs at a poorly conserved position in the protein, it is predicted to be benign by multiple in silico algorithms, and/or has population frequency not consistent with disease.

NM_133259.4(LRPPRC):c.94G>C (p.Gly32Arg)

Gene: LRPPRC (leucine rich pentatricopeptide repeat containing; minus strand). Cytogenetic location: 2p21.
Variant type: single nucleotide variant.
Coding change: c.94G>C on transcript NM_133259.4 (MANE Select); coding-DNA position 94, G replaced by C.
Protein change: p.Gly32Arg; replaces glycine 32 with arginine.
Molecular consequence: missense variant.
Genome position (GRCh38, 1-based): chr2:43,995,854, C>G on the plus strand (G>C on the coding strand, the complement: LRPPRC is on the minus strand). VCF-style: chr2-43995854-C-G. GRCh37 (hg19) VCF-style: chr2-44222993-C-G.
Other names: p.G32R:GGC>CGC; short protein forms G32R.
Identifiers: ClinVar variation 214592 (VCV000214592.1), dbSNP rs863224051, ClinGen allele CA320835.
Genomic context (GRCh38, chr2:43,995,854, plus strand): 5'-CTCACCCGGCCACGGGCCCGGCGCGAGCGGCGGGCAGATAGGAGGCGGCATGCAGCCGGC[C>G]CGGGCCGCCAGGGAGGAGGCGCAGGGAGAGCGGGAGGCGCGGGGCCGCCCCGGCACGCAG-3'
Protein context (NP_573566.2, residues 22-42): LSLRLLPGGP[Gly32Arg]RLHAASYLPA